The following is an entry in ClinVar:

ClinVar aggregate classification (germline): Uncertain significance. Review status: criteria provided, multiple submitters, no conflicts (2 of 4 stars). 2 submissions from 2 submitters: Uncertain significance (2). Last evaluated 2023-06-24.

Conditions:
Developmental and epileptic encephalopathy. Identifiers: MedGen C5779964, MONDO:0100620.
Developmental and epileptic encephalopathy, 36 (DEE36). Also called: Epileptic encephalopathy, early infantile, 36; Congenital disorder of glycosylation, type Is; ALG13-CDG. Identifiers: Orphanet 324422, MedGen C4317295, MONDO:0010472, OMIM 300884.

Submissions (2):

Labcorp Genetics (formerly Invitae), Labcorp
Classification: Uncertain significance for Developmental and epileptic encephalopathy, 36. Last evaluated: 2023-06-24. Review status: criteria provided, single submitter. Criteria: Invitae Variant Classification Sherloc (09022015). Collection method: clinical testing. Allele origin: germline.
Comment: In summary, the available evidence is currently insufficient to determine the role of this variant in disease. Therefore, it has been classified as a Variant of Uncertain Significance. Experimental studies and prediction algorithms are not available or were not evaluated, and the functional significance of this variant is currently unknown. ClinVar contains an entry for this variant (Variation ID: 1380479). This variant has not been reported in the literature in individuals affected with ALG13-related conditions. This variant is not present in population databases (gnomAD no frequency). This variant, c.2831_2839del, results in the deletion of 3 amino acid(s) of the ALG13 protein (p.Pro944_Ala946del), but otherwise preserves the integrity of the reading frame.

Department of Pathology and Laboratory Medicine, Sinai Health System
Classification: Uncertain significance for developmental and epileptic encephalopathy. Last evaluated: 2022-01-13. Review status: criteria provided, single submitter. Criteria: ACMG Guidelines, 2015. Collection method: research. Allele origin: germline.

NM_001099922.3(ALG13):c.2831_2839del (p.Pro944_Ala946del)

Gene: ALG13 (ALG13 UDP-N-acetylglucosaminyltransferase subunit; plus strand). Cytogenetic location: Xq23.
Variant type: Deletion.
Coding change: c.2831_2839del on transcript NM_001099922.3 (MANE Select); coding-DNA positions 2831 to 2839, 9 bases deleted (CTCCTGCTC; older notation c.2831_2839delCTCCTGCTC).
Protein change: p.Pro944_Ala946del.
Molecular consequence: inframe deletion. On other transcripts: intron variant (5).
Genome position (GRCh38, 1-based): chrX:111,744,803-111,744,811, CTCCTGCTC deleted; deleting any 9 consecutive bases within chrX:111,744,800-111,744,811 gives the same sequence; the c. name uses the placement nearest the transcript's 3' end. VCF-style (leftmost placement, unchanged base first): chrX-111744799-CCTCCTCCTG-C. GRCh37 (hg19) VCF-style: chrX-110988027-CCTCCTCCTG-C.
Other names: c.2597_2605del, p.Pro866_Ala868del (NM_001257231.2); c.2383+7924_2383+7932del (NM_001257237.2, NM_001257234.2, NM_001257230.2); c.2209+7924_2209+7932del (NM_001324293.1); c.2695+7924_2695+7932del (NM_001324292.2).
Identifiers: ClinVar variation 1380479 (VCV001380479.9), dbSNP rs1944088858, ClinGen allele CA2451813170.